The following is an entry in ClinVar:

NM_021942.6(TRAPPC11):c.788A>G (p.Asn263Ser)

Gene: TRAPPC11 (trafficking protein particle complex subunit 11; plus strand). Cytogenetic location: 4q35.1.
Variant type: single nucleotide variant.
Coding change: c.788A>G on transcript NM_021942.6 (MANE Select); coding-DNA position 788, A replaced by G.
Protein change: p.Asn263Ser; replaces asparagine 263 with serine.
Molecular consequence: missense variant.
Genome position (GRCh38, 1-based): chr4:183,677,511, A>G. VCF-style: chr4-183677511-A-G. GRCh37 (hg19) VCF-style: chr4-184598664-A-G.
Other names: c.788A>G, p.Asn263Ser (NM_199053.3); short protein forms N263S.
Identifiers: ClinVar variation 3901777 (VCV003901777.1).

ClinVar aggregate classification (germline): Uncertain significance (1 of 4 stars; one submission).

Submission:

GeneDx
Classification: Uncertain significance. Last evaluated: 2024-12-05. Review status: criteria provided, single submitter. Criteria: GeneDx Variant Classification Process June 2021. Collection method: clinical testing. Allele origin: germline. Affected: yes.
Comment: Not observed at significant frequency in large population cohorts (gnomAD); In silico analysis supports that this missense variant has a deleterious effect on protein structure/function; Has not been previously published as pathogenic or benign to our knowledge